The following is an entry in ClinVar:

NM_022124.6(CDH23):c.2954-5del

Gene: CDH23 (cadherin related 23; plus strand). Cytogenetic location: 10q22.1.
Variant type: Deletion.
Coding change: c.2954-5del on transcript NM_022124.6 (MANE Select); 5 bases into the intron before coding-DNA position 2954, one base deleted (C; older notation c.2954-5delC).
Molecular consequence: intron variant.
Genome position (GRCh38, 1-based): chr10:71,706,892, C deleted; the last of 4 consecutive C bases (chr10:71,706,889-71,706,892); deleting any one gives the same sequence. VCF-style (leftmost placement, unchanged base first): chr10-71706888-GC-G. GRCh37 (hg19) VCF-style: chr10-73466645-GC-G.
Other names: c.2954-5del (NM_001171930.2, NM_001171931.2).
Identifiers: ClinVar variation 506136 (VCV000506136.12), dbSNP rs766850828, ClinGen allele CA5544403.

ClinVar aggregate classification (germline): Conflicting classifications of pathogenicity. Review status: criteria provided, conflicting classifications (1 of 4 stars). 2 submissions from 2 submitters: Uncertain significance (1); Benign (1). Last evaluated 2023-09-19.

Submissions (2):

Labcorp Genetics (formerly Invitae), Labcorp
Classification: Benign. Last evaluated: 2023-09-19. Review status: criteria provided, single submitter. Criteria: Invitae Variant Classification Sherloc (09022015). Collection method: clinical testing. Allele origin: germline.

Laboratory for Molecular Medicine, Mass General Brigham Personalized Medicine
Classification: Uncertain significance. Last evaluated: 2017-09-14. Review status: criteria provided, single submitter. Criteria: LMM Criteria. Collection method: clinical testing. Allele origin: germline. Observed: 1 variant allele.
Comment: The c.2954-5delC variant in CDH23 has not been previously reported in individual s with hearing loss or Usher syndrome, but has been identified in 1/92700 Europe an chromosomes by the Genome Aggregation Database (gnomAD; dbSNP rs766850828). Although this variant has been seen in the gene ral population, its frequency is not high enough to rule out a pathogenic role. This variant is located in the 3' splice region. Computational tools do not sugg est an impact to splicing. However, this information is not predictive enough to rule out pathogenicity. In summary, the clinical significance of the c.2954-5de lC variant is uncertain.